The following is an entry in ClinVar:

ClinVar aggregate classification (germline): Uncertain significance (1 of 4 stars; one submission).

Conditions:
Inborn genetic diseases. Identifiers: MedGen C0950123, MeSH D030342.

Submission:

Ambry Genetics
Classification: Uncertain significance for Inborn genetic diseases. Last evaluated: 2026-03-14. Review status: criteria provided, single submitter. Criteria: Ambry Variant Classification Scheme 2023. Collection method: clinical testing. Allele origin: germline.
Comment: The p.A280G variant (also known as c.839C>G), located in coding exon 1 of the SAMD9 gene, results from a C to G substitution at nucleotide position 839. The alanine at codon 280 is replaced by glycine, an amino acid with similar properties. This amino acid position is conserved. In addition, this alteration is predicted to be tolerated by in silico analysis. Based on the available evidence, the clinical significance of this variant remains unclear.

NM_017654.4(SAMD9):c.839C>G (p.Ala280Gly)

Gene: SAMD9 (sterile alpha motif domain containing 9; minus strand). Cytogenetic location: 7q21.2.
Variant type: single nucleotide variant.
Coding change: c.839C>G on transcript NM_017654.4 (MANE Select); coding-DNA position 839, C replaced by G.
Protein change: p.Ala280Gly; replaces alanine 280 with glycine.
Molecular consequence: missense variant.
Genome position (GRCh38, 1-based): chr7:93,105,259, G>C on the plus strand (C>G on the coding strand, the complement: SAMD9 is on the minus strand). VCF-style: chr7-93105259-G-C. GRCh37 (hg19) VCF-style: chr7-92734572-G-C.
Other names: c.839C>G, p.Ala280Gly (NM_001193307.2); short protein forms A280G.
Identifiers: ClinVar variation 4827030 (VCV004827030.1).
Genomic context (GRCh38, chr7:93,105,259, plus strand): 5'-GATAGAGTACTATTTGGCAGTAAAACTTCCACAAATCTTGGCTCTCGAATGCACTTCTTT[G>C]CTTGTTGGACTTGATGGTCTTCAAAATACTTGTTTATCATCAGATTGAAATGGTTAATGA-3'
Protein context (NP_060124.2, residues 270-290): KYFEDHQVQQ[Ala280Gly]KKCIREPRFV